The following is an entry in ClinVar:

NM_006231.4(POLE):c.2254_2255delinsAA (p.Ser752Asn)

Gene: POLE (DNA polymerase epsilon, catalytic subunit; minus strand). Cytogenetic location: 12q24.33.
Variant type: Indel.
Coding change: c.2254_2255delinsAA on transcript NM_006231.4 (MANE Select); coding-DNA positions 2254 to 2255, TC replaced by AA.
Protein change: p.Ser752Asn; replaces serine 752 with asparagine.
Molecular consequence: missense variant.
Genome position (GRCh38, 1-based): chr12:132,667,567-132,667,568, GA replaced by TT on the plus strand (TC replaced by AA on the coding strand, the reverse complement: POLE is on the minus strand). VCF-style: chr12-132667567-GA-TT. GRCh37 (hg19) VCF-style: chr12-133244153-GA-TT.
Other names: short protein forms S752N.
Identifiers: ClinVar variation 1419579 (VCV001419579.6), dbSNP rs2135970108, ClinGen allele CA2573148098.

ClinVar aggregate classification (germline): Uncertain significance (1 of 4 stars; one submission).

Submission:

Labcorp Genetics (formerly Invitae), Labcorp
Classification: Uncertain significance. Last evaluated: 2021-10-07. Review status: criteria provided, single submitter. Criteria: Invitae Variant Classification Sherloc (09022015). Collection method: clinical testing. Allele origin: germline.
Comment: This sequence change replaces serine with asparagine at codon 752 of the POLE protein (p.Ser752Asn). The serine residue is highly conserved and there is a small physicochemical difference between serine and asparagine. The frequency data for this variant in the population databases is not available, as this variant may be reported as separate entries in the ExAC database. This variant has not been reported in the literature in individuals affected with POLE-related conditions. Algorithms developed to predict the effect of missense changes on protein structure and function are either unavailable or do not agree on the potential impact of this missense change (SIFT: "Not Available"; PolyPhen-2: "Probably Damaging"; Align-GVGD: "Not Available"). In summary, the available evidence is currently insufficient to determine the role of this variant in disease. Therefore, it has been classified as a Variant of Uncertain Significance.